The following is an entry in ClinVar:

ClinVar aggregate classification (germline): Uncertain significance (1 of 4 stars; one submission).

Conditions:
Intellectual disability, X-linked 49 (MRXSRC). Also called: MENTAL RETARDATION, X-LINKED 15; MRX49; CLCN4-Related Neurodevelopmental Disorder; CLCN4-related X-linked intellectual disability syndrome; RAYNAUD-CLAES SYNDROME. Identifiers: Orphanet 485350, Orphanet 777, MedGen C0796221, MONDO:0010250, OMIM 300114.

Submission:

3billion
Classification: Uncertain significance for Intellectual disability, X-linked 49. Last evaluated: 2025-10-06. Review status: criteria provided, single submitter. Criteria: ACMG Guidelines, 2015. Collection method: clinical testing. Allele origin: germline. Affected: yes.
Comment: The variant is not observed in the gnomAD v4.1.0 dataset. Predicted Consequence/Location: Missense variant. Missense changes are a common disease-causing mechanism. In silico tool predictions suggest damaging effect of the variant on gene or gene product [REVEL: 0.91 (>=0.6, sensitivity 0.68 and specificity 0.92)]. Therefore, this variant is classified as VUS according to the recommendation of ACMG/AMP guideline.

NM_001830.4(CLCN4):c.2144A>C (p.Asp715Ala)

Gene: CLCN4 (Cl-/H+ antiporter 4; plus strand). Cytogenetic location: Xp22.2.
Variant type: single nucleotide variant.
Coding change: c.2144A>C on transcript NM_001830.4 (MANE Select); coding-DNA position 2144, A replaced by C.
Protein change: p.Asp715Ala; replaces aspartic acid 715 with alanine.
Molecular consequence: missense variant.
Genome position (GRCh38, 1-based): chrX:10,220,829, A>C. VCF-style: chrX-10220829-A-C. GRCh37 (hg19) VCF-style: chrX-10188869-A-C.
Other names: c.1862A>C, p.Asp621Ala (NM_001256944.2); short protein forms D621A, D715A.
Identifiers: ClinVar variation 4853921 (VCV004853921.1).